The following is an entry in ClinVar:

NM_031935.3(HMCN1):c.11054G>C (p.Gly3685Ala)

Gene: HMCN1 (hemicentin 1; plus strand). Cytogenetic location: 1q31.1.
Variant type: single nucleotide variant.
Coding change: c.11054G>C on transcript NM_031935.3 (MANE Select); coding-DNA position 11054, G replaced by C.
Protein change: p.Gly3685Ala; replaces glycine 3685 with alanine.
Molecular consequence: missense variant.
Genome position (GRCh38, 1-based): chr1:186,112,876, G>C. VCF-style: chr1-186112876-G-C. GRCh37 (hg19) VCF-style: chr1-186082008-G-C.
Other names: short protein forms G3685A.
Identifiers: ClinVar variation 876754 (VCV000876754.11), dbSNP rs145492995, ClinGen allele CA1293914.

ClinVar aggregate classification (germline): Uncertain significance. Review status: criteria provided, multiple submitters, no conflicts (2 of 4 stars). 4 submissions from 4 submitters: Uncertain significance (4). Last evaluated 2025-11-24.

Conditions:
Age related macular degeneration 1 (ARMD1). Also called: MACULOPATHY, AGE-RELATED, 1. Identifiers: MedGen C1864205, MONDO:0011285, OMIM 603075.

Allele frequency attached by ClinVar (database versions not stated): ESP Exome Variant Server 0.00054; 1000 Genomes Project 30x 0.00016; 1000 Genomes Project 0.00020; TOPMed 0.00034.
gnomAD v4.1: 492 of 1,614,122 alleles (0.03%); highest among the groups gnomAD compares: Non-Finnish European, 0.038%; 2 homozygotes.

Submissions (4):

Labcorp Genetics (formerly Invitae), Labcorp
Classification: Uncertain significance. Last evaluated: 2025-11-24. Review status: criteria provided, single submitter. Criteria: Invitae Variant Classification Sherloc (09022015). Collection method: clinical testing. Allele origin: germline.
Comment: This sequence change replaces glycine, which is neutral and non-polar, with alanine, which is neutral and non-polar, at codon 3685 of the HMCN1 protein (p.Gly3685Ala). This variant is present in population databases (rs145492995, gnomAD 0.05%), and has an allele count higher than expected for a pathogenic variant. This variant has not been reported in the literature in individuals affected with HMCN1-related conditions. ClinVar contains an entry for this variant (Variation ID: 876754). An algorithm developed to predict the effect of missense changes on protein structure and function (PolyPhen-2) suggests that this variant is likely to be tolerated. In summary, the available evidence is currently insufficient to determine the role of this variant in disease. Therefore, it has been classified as a Variant of Uncertain Significance.

Genome-Nilou Lab
Classification: Uncertain significance for Age related macular degeneration 1. Last evaluated: 2023-04-11. Review status: criteria provided, single submitter. Criteria: ACMG Guidelines, 2015. Collection method: clinical testing. Allele origin: germline. Affected: no.

Ambry Genetics
Classification: Uncertain significance. Last evaluated: 2021-08-02. Review status: criteria provided, single submitter. Criteria: Ambry Variant Classification Scheme 2023. Collection method: clinical testing. Allele origin: germline.

Illumina Laboratory Services, Illumina
Classification: Uncertain significance for Age related macular degeneration 1. Last evaluated: 2018-01-13. Review status: criteria provided, single submitter. Criteria: ICSL Variant Classification Criteria 13 December 2019. Collection method: clinical testing. Allele origin: germline.